The following is an entry in ClinVar:

ClinVar aggregate classification (germline): Pathogenic. Review status: criteria provided, multiple submitters, no conflicts (2 of 4 stars). 3 submissions from 3 submitters: Pathogenic (3). Last evaluated 2021-07-15.

Conditions:
Cornelia de Lange syndrome 1 (CDLS1). Also called: Brachmann de Lange syndrome; NIPBL-Related Cornelia de Lange Syndrome; TYPUS DEGENERATIVUS AMSTELODAMENSIS. Identifiers: Orphanet 199, MedGen C4551851, MONDO:0007387, OMIM 122470.

Submissions (3):

Genome-Nilou Lab
Classification: Pathogenic for Cornelia de Lange syndrome 1. Last evaluated: 2021-07-15. Review status: criteria provided, single submitter. Criteria: ACMG Guidelines, 2015. Collection method: clinical testing. Allele origin: germline. Affected: no.

Labcorp Genetics (formerly Invitae), Labcorp
Classification: Pathogenic for Cornelia de Lange syndrome 1. Last evaluated: 2016-08-24. Review status: criteria provided, single submitter. Criteria: Invitae Variant Classification Sherloc (09022015). Collection method: clinical testing. Allele origin: germline.
Comment: For these reasons, this variant has been classified as Pathogenic. This sequence change creates a premature translational stop signal at codon 1531 (p.Tyr1531*) of the NIPBL gene. It is expected to result in an absent or disrupted protein product. Loss-of-function variants in NIPBL are known to be pathogenic. This particular variant has been reported in the literature in an individual affected with Cornelia de Lange syndrome (PMID: 17106445).

Genetic Services Laboratory, University of Chicago
Classification: Pathogenic for Cornelia de Lange syndrome 1. Last evaluated: 2013-02-08. Review status: criteria provided, single submitter. Criteria: ACMG Guidelines, 2007. Collection method: clinical testing. Allele origin: germline. Inheritance: Autosomal dominant inheritance. Affected: yes.

Literature cited by the submitters: PubMed 17106445 (cited by Labcorp Genetics (formerly Invitae), Labcorp).

NM_133433.4(NIPBL):c.4593T>G (p.Tyr1531Ter)

Gene: NIPBL (NIPBL cohesin loading factor; plus strand). Cytogenetic location: 5p13.2.
Variant type: single nucleotide variant.
Coding change: c.4593T>G on transcript NM_133433.4 (MANE Select); coding-DNA position 4593, T replaced by G.
Protein change: p.Tyr1531Ter; replaces tyrosine 1531 with a stop codon.
Molecular consequence: nonsense.
Genome position (GRCh38, 1-based): chr5:37,014,715, T>G. VCF-style: chr5-37014715-T-G. GRCh37 (hg19) VCF-style: chr5-37014817-T-G.
Other names: c.4593T>G, p.Tyr1531Ter (NM_015384.5); short protein forms Y1531*.
Identifiers: ClinVar variation 159121 (VCV000159121.15), dbSNP rs587783952, ClinGen allele CA272117.